The following is an entry in ClinVar:

NM_001378778.1(MPDZ):c.3415C>G (p.Gln1139Glu)

Gene: MPDZ (multiple PDZ domain crumbs cell polarity complex component; minus strand). Cytogenetic location: 9p23.
Variant type: single nucleotide variant.
Coding change: c.3415C>G on transcript NM_001378778.1 (MANE Select); coding-DNA position 3415, C replaced by G.
Protein change: p.Gln1139Glu; replaces glutamine 1139 with glutamic acid.
Molecular consequence: missense variant. On other transcripts: intron variant (1).
Genome position (GRCh38, 1-based): chr9:13,158,055, G>C on the plus strand (C>G on the coding strand, the complement: MPDZ is on the minus strand). VCF-style: chr9-13158055-G-C. GRCh37 (hg19) VCF-style: chr9-13158054-G-C.
Other names: c.3415C>G, p.Gln1139Glu (NM_001261406.2, NM_001261407.2, NM_001330637.2 and 13 more transcripts); c.3255-7367C>G (NM_001375427.1); short protein forms Q1139E.
Identifiers: ClinVar variation 1945224 (VCV001945224.5), dbSNP rs2491388940, ClinGen allele CA372951353.

ClinVar aggregate classification (germline): Uncertain significance (1 of 4 stars; one submission).

Submission:

Labcorp Genetics (formerly Invitae), Labcorp
Classification: Uncertain significance. Last evaluated: 2022-08-31. Review status: criteria provided, single submitter. Criteria: Invitae Variant Classification Sherloc (09022015). Collection method: clinical testing. Allele origin: germline.
Comment: This sequence change replaces glutamine, which is neutral and polar, with glutamic acid, which is acidic and polar, at codon 1139 of the MPDZ protein (p.Gln1139Glu). This variant is not present in population databases (gnomAD no frequency). In summary, the available evidence is currently insufficient to determine the role of this variant in disease. Therefore, it has been classified as a Variant of Uncertain Significance. Algorithms developed to predict the effect of missense changes on protein structure and function output the following: SIFT: "Deleterious"; PolyPhen-2: "Benign"; Align-GVGD: "Class C25". The glutamic acid amino acid residue is found in multiple mammalian species, which suggests that this missense change does not adversely affect protein function. This variant has not been reported in the literature in individuals affected with MPDZ-related conditions.